The following is an entry in ClinVar:

NM_058216.3(RAD51C):c.508del (p.Val169_Val170insTer)

Gene: RAD51C (RAD51 paralog C; plus strand). Cytogenetic location: 17q22.
Variant type: Deletion.
Coding change: c.508del on transcript NM_058216.3 (MANE Select); coding-DNA position 508, one base deleted (G; older notation c.508delG).
Protein change: p.Val169_Val170insTer.
Molecular consequence: nonsense.
Genome position (GRCh38, 1-based): chr17:58,696,796, G deleted; the last of 2 consecutive G bases (chr17:58,696,795-58,696,796); deleting either gives the same sequence. VCF-style (leftmost placement, unchanged base first): chr17-58696794-TG-T. GRCh37 (hg19) VCF-style: chr17-56774155-TG-T.
Identifiers: ClinVar variation 2020108 (VCV002020108.4), dbSNP rs2509282682, ClinGen allele CA2580094429.

ClinVar aggregate classification (germline): Pathogenic (1 of 4 stars; one submission).

Conditions:
Fanconi anemia complementation group O. Also called: RAD51C-Related Fanconi Anemia. Identifiers: Orphanet 84, MedGen C3150653, MONDO:0013248, OMIM 613390.

Submission:

Labcorp Genetics (formerly Invitae), Labcorp
Classification: Pathogenic for Fanconi anemia complementation group O. Last evaluated: 2022-07-29. Review status: criteria provided, single submitter. Criteria: Invitae Variant Classification Sherloc (09022015). Collection method: clinical testing. Allele origin: germline.
Comment: This sequence change creates a premature translational stop signal (p.Val170*) in the RAD51C gene. It is expected to result in an absent or disrupted protein product. Loss-of-function variants in RAD51C are known to be pathogenic (PMID: 20400964, 21990120, 24800917). This variant is not present in population databases (gnomAD no frequency). This variant has not been reported in the literature in individuals affected with RAD51C-related conditions. For these reasons, this variant has been classified as Pathogenic.

Literature cited by the submitters: PubMed 20400964; PubMed 21990120; PubMed 24800917.